The following is an entry in ClinVar:

NM_001987.5(ETV6):c.952A>G (p.Ile318Val)

Gene: ETV6 (ETS variant transcription factor 6; plus strand). Cytogenetic location: 12p13.2.
Variant type: single nucleotide variant.
Coding change: c.952A>G on transcript NM_001987.5 (MANE Select); coding-DNA position 952, A replaced by G.
Protein change: p.Ile318Val; replaces isoleucine 318 with valine.
Molecular consequence: missense variant.
Genome position (GRCh38, 1-based): chr12:11,869,912, A>G. VCF-style: chr12-11869912-A-G. GRCh37 (hg19) VCF-style: chr12-12022846-A-G.
Other names: c.949A>G, p.Ile317Val (NM_001413913.1); c.925A>G, p.Ile309Val (NM_001413914.1); c.688A>G, p.Ile230Val (NM_001413915.1); c.952A>G, p.Ile318Val (NM_001413916.1, NM_001413917.1); short protein forms I318V, I317V, I230V, I309V.
Identifiers: ClinVar variation 2527011 (VCV002527011.3), dbSNP rs1565560356, ClinGen allele CA384044314.

ClinVar aggregate classification (germline): Uncertain significance (1 of 4 stars; one submission).

Conditions:
Inborn genetic diseases. Identifiers: MedGen C0950123, MeSH D030342.

Allele frequency attached by ClinVar (database versions not stated): gnomAD exomes 0.00001.
gnomAD v4.1: 3 of 1,612,034 alleles (0.00019%); highest among the groups gnomAD compares: Non-Finnish European, 0.00025%; no homozygotes.

Submission:

Ambry Genetics
Classification: Uncertain significance for Inborn genetic diseases. Last evaluated: 2024-10-05. Review status: criteria provided, single submitter. Criteria: Ambry Variant Classification Scheme 2023. Collection method: clinical testing. Allele origin: germline.
Comment: The p.I318V variant (also known as c.952A>G), located in coding exon 5 of the ETV6 gene, results from an A to G substitution at nucleotide position 952. The isoleucine at codon 318 is replaced by valine, an amino acid with highly similar properties. This amino acid position is conserved. In addition, this alteration is predicted to be tolerated by in silico analysis. Based on the available evidence, the clinical significance of this variant remains unclear.